The following is an entry in ClinVar:

NM_003742.4(ABCB11):c.2471G>A (p.Gly824Glu)

Gene: ABCB11 (ATP binding cassette subfamily B member 11; minus strand). Cytogenetic location: 2q31.1.
Variant type: single nucleotide variant.
Coding change: c.2471G>A on transcript NM_003742.4 (MANE Select); coding-DNA position 2471, G replaced by A.
Protein change: p.Gly824Glu; replaces glycine 824 with glutamic acid.
Molecular consequence: missense variant.
Genome position (GRCh38, 1-based): chr2:168,944,744, C>T on the plus strand (G>A on the coding strand, the complement: ABCB11 is on the minus strand). VCF-style: chr2-168944744-C-T. GRCh37 (hg19) VCF-style: chr2-169801254-C-T.
Other names: c.2471G>A, p.Gly824Glu (LRG_1199t1); c.2471G>A (NM_003742.2); short protein forms G824E.
Identifiers: ClinVar variation 597703 (VCV000597703.7), dbSNP rs1559191495, ClinGen allele CA349127011.

ClinVar aggregate classification (germline): Uncertain significance. Review status: criteria provided, multiple submitters, no conflicts (2 of 4 stars). 3 submissions from 3 submitters: Uncertain significance (3). Last evaluated 2026-06-08.

Conditions:
ABCB11-related disorder. Also called: ABCB11-related condition.

Submissions (3):

PreventionGenetics, part of Exact Sciences
Classification: Uncertain significance for ABCB11-related condition. Last evaluated: 2026-06-08. Review status: criteria provided, single submitter. Criteria: ACMG Guidelines, 2015. Collection method: clinical testing. Allele origin: germline.
Comment: The ABCB11 c.2471G>A variant is predicted to result in the amino acid substitution p.Gly824Glu. To our knowledge, this variant has not been reported in the literature or in a large population database (gnomAD), indicating this variant is rare. At this time, the clinical significance of this variant is uncertain due to the absence of conclusive functional and genetic evidence.

Blueprint Genetics
Classification: Uncertain significance. Last evaluated: 2020-12-18. Review status: criteria provided, single submitter. Criteria: ACMG Guidelines, 2015. Collection method: clinical testing. Allele origin: germline.

Eurofins Ntd Llc (ga)
Classification: Uncertain significance. Last evaluated: 2018-06-22. Review status: criteria provided, single submitter. Criteria: EGL ClinVar v180209 classification definitions. Collection method: clinical testing. Allele origin: germline. Observed: 1 variant allele, 1 heterozygote.